The following is an entry in ClinVar:

ClinVar aggregate classification (germline): Uncertain significance (1 of 4 stars; one submission).

Conditions:
Hypertrophic cardiomyopathy. Also called: HYPERTROPHIC MYOCARDIOPATHY. Identifiers: Orphanet 217569, MedGen C0007194, MeSH D002312, MONDO:0005045, HP:0001639.

Submission:

Labcorp Genetics (formerly Invitae), Labcorp
Classification: Uncertain significance for Hypertrophic cardiomyopathy. Last evaluated: 2025-02-28. Review status: criteria provided, single submitter. Criteria: Invitae Variant Classification Sherloc (09022015). Collection method: clinical testing. Allele origin: germline.
Comment: This sequence change creates a premature translational stop signal (p.Val1275Serfs*90) in the MYOM1 gene. It is expected to result in an absent or disrupted protein product. However, the current clinical and genetic evidence is not sufficient to establish whether loss-of-function variants in MYOM1 cause disease. This variant is not present in population databases (gnomAD no frequency). This variant has not been reported in the literature in individuals affected with MYOM1-related conditions. ClinVar contains an entry for this variant (Variation ID: 1937150). In summary, the available evidence is currently insufficient to determine the role of this variant in disease. Therefore, it has been classified as a Variant of Uncertain Significance.

NM_003803.4(MYOM1):c.3823del (p.Val1275fs)

Gene: MYOM1 (myomesin 1; minus strand). Cytogenetic location: 18p11.31.
Variant type: Deletion.
Coding change: c.3823del on transcript NM_003803.4 (MANE Select); coding-DNA position 3823, one base deleted (G; older notation c.3823delG).
Protein change: p.Val1275fs; shifts the reading frame from valine 1275.
Molecular consequence: frameshift variant.
Genome position (GRCh38, 1-based): chr18:3,094,211, C deleted on the plus strand (G on the coding strand, the reverse complement: MYOM1 is on the minus strand). VCF-style (leftmost placement, unchanged base first): chr18-3094210-AC-A. GRCh37 (hg19) VCF-style: chr18-3094208-AC-A.
Other names: c.3535del, p.Val1179fs (NM_019856.2); short protein forms V1275fs, V1179fs.
Identifiers: ClinVar variation 1937150 (VCV001937150.5), dbSNP rs2143726168, ClinGen allele CA2580095449.
Genomic context (GRCh38, chr18:3,094,210, plus strand): 5'-CTAAACAGTGTAAAACCTACCGGGCCTTCAAAAATTTCCTTCTCGTTAAATATGTAGTTG[AC>A]TTTGGCATTGCCAGACAGTTTCTCAGCCTGCATCCAAAACCGGACCTGGCCTTTCTCCAA-3'